The following is an entry in ClinVar:

ClinVar aggregate classification (germline): Uncertain significance (1 of 4 stars; one submission).

Conditions:
Microphthalmia, isolated, with coloboma 6 (MCOPCB6). Also called: Microphthalmia with coloboma 6, digenic; Microphthalmia with coloboma 6; MICROPHTHALMIA/COLOBOMA 6. Identifiers: Orphanet 98938, MedGen C3150968, MONDO:0013376, OMIM 613703.
Klippel-Feil syndrome 1, autosomal dominant (KFS1). Also called: CERVICAL VERTEBRAL FUSION, AUTOSOMAL DOMINANT. Identifiers: Orphanet 2345, MedGen C1861689, MONDO:0007306, OMIM 118100.
Isolated microphthalmia 4. Identifiers: Orphanet 2542, MedGen C2751307, MONDO:0013130, OMIM 613094.
Leber congenital amaurosis 17 (LCA17). Identifiers: Orphanet 65, MedGen C3715164, MONDO:0014145, OMIM 615360.

Allele frequency attached by ClinVar (database versions not stated): gnomAD 0.00002; ESP Exome Variant Server 0.00008; gnomAD exomes below 0.00001; TOPMed 0.00001.
gnomAD v4.1: 5 of 1,611,194 alleles (0.00031%); highest among the groups gnomAD compares: African/African-American, 0.004%; no homozygotes.

Submission:

Labcorp Genetics (formerly Invitae), Labcorp
Classification: Uncertain significance for Isolated microphthalmia 4; Leber congenital amaurosis 17; Klippel-Feil syndrome 1, autosomal dominant; Microphthalmia, isolated, with coloboma 6. Last evaluated: 2025-05-05. Review status: criteria provided, single submitter. Criteria: Invitae Variant Classification Sherloc (09022015). Collection method: clinical testing. Allele origin: germline.
Comment: This sequence change replaces histidine, which is basic and polar, with arginine, which is basic and polar, at codon 342 of the GDF6 protein (p.His342Arg). The frequency data for this variant in the population databases is considered unreliable, as metrics indicate poor data quality at this position in the gnomAD database. This variant has not been reported in the literature in individuals affected with GDF6-related conditions. ClinVar contains an entry for this variant (Variation ID: 1973701). Invitae Evidence Modeling of protein sequence and biophysical properties (such as structural, functional, and spatial information, amino acid conservation, physicochemical variation, residue mobility, and thermodynamic stability) indicates that this missense variant is not expected to disrupt GDF6 protein function with a negative predictive value of 80%. In summary, the available evidence is currently insufficient to determine the role of this variant in disease. Therefore, it has been classified as a Variant of Uncertain Significance.

NM_001001557.4(GDF6):c.1025A>G (p.His342Arg)

Gene: GDF6 (growth differentiation factor 6; minus strand). Cytogenetic location: 8q22.1.
Variant type: single nucleotide variant.
Coding change: c.1025A>G on transcript NM_001001557.4 (MANE Select); coding-DNA position 1025, A replaced by G.
Protein change: p.His342Arg; replaces histidine 342 with arginine.
Molecular consequence: missense variant.
Genome position (GRCh38, 1-based): chr8:96,144,906, T>C on the plus strand (A>G on the coding strand, the complement: GDF6 is on the minus strand). VCF-style: chr8-96144906-T-C. GRCh37 (hg19) VCF-style: chr8-97157134-T-C.
Other names: short protein forms H342R.
Identifiers: ClinVar variation 1973701 (VCV001973701.5), dbSNP rs369743492, ClinGen allele CA181485024.